The following is an entry in ClinVar:

NM_001370785.2(LRRC7):c.3266dup (p.Gln1091fs)

Genes: LRRC7 (leucine rich repeat containing 7; plus strand), LRRC7-AS1 (LRRC7 antisense RNA 1; minus strand). Cytogenetic location: 1p31.1.
Variant type: Duplication.
Coding change: c.3266dup on transcript NM_001370785.2 (MANE Select); coding-DNA position 3266, one base duplicated (C; older notation c.3266dupC).
Protein change: p.Gln1091fs; shifts the reading frame from glutamine 1091.
Molecular consequence: frameshift variant.
Genome position (GRCh38, 1-based): chr1:70,039,090, C duplicated; the last of 5 consecutive C bases (chr1:70,039,086-70,039,090); duplicating any one gives the same sequence. VCF-style (leftmost placement, unchanged base first): chr1-70039085-A-AC. GRCh37 (hg19) VCF-style: chr1-70504768-A-AC.
Other names: c.3167dup, p.Gln1058fs (NM_001330635.3, NM_001366841.1); c.3269dup, p.Gln1092fs (NM_001350216.3); c.3266dup, p.Gln1091fs (NM_001366838.3); c.3107dup, p.Gln1038fs (NM_001366839.3); short protein forms Q1038fs, Q1058fs, Q1091fs, Q1092fs.
Identifiers: ClinVar variation 3901202 (VCV003901202.1).
Genomic context (GRCh38, chr1:70,039,085, plus strand): 5'-GTTTGACCAAAGCTTCAATCCTCAAGGATCAGTGGAAGTGAAAGCCGAAAAGAGGATACC[A>AC]CCCCCTTTTCAACACAATCCCGAGTACGTGCAACAGGCCAGCAAAAACATCGCCAAGGAT-3'

ClinVar aggregate classification (germline): Pathogenic (1 of 4 stars; one submission).

Conditions:
LRRC7-associated obesity and neurodevelopmental disorder.

Submission:

Institute of Human Genetics, University of Leipzig Medical Center
Classification: Pathogenic for LRRC7-associated obesity and neurodevelopmental disorder. Last evaluated: 2025-04-08. Review status: criteria provided, single submitter. Criteria: ACMG Guidelines, 2015. Collection method: clinical testing. Allele origin: unknown. Inheritance: Autosomal dominant inheritance. Affected: yes.
Comment: Criteria applied: PVS1,PM2

Literature cited by the submitters: PubMed 39256359.